The following is an entry in ClinVar:

ClinVar aggregate classification (germline): Conflicting classifications of pathogenicity. Review status: criteria provided, conflicting classifications (1 of 4 stars). 4 submissions from 4 submitters: Uncertain significance (2); Likely benign (2). Last evaluated 2026-01-29.

Conditions:
Developmental and epileptic encephalopathy, 42 (DEE42A). Also called: Epileptic encephalopathy, early infantile, 42; DEVELOPMENTAL AND EPILEPTIC ENCEPHALOPATHY 42A; EPILEPTIC ENCEPHALOPATHY, EARLY INFANTILE, 42A. Identifiers: MedGen C4310716, MONDO:0014917, OMIM 617106.
Episodic ataxia type 2 (EA2). Also called: ATAXIA, EPISODIC, WITH NYSTAGMUS; ATAXIA, FAMILIAL PAROXYSMAL; CEREBELLAR ATAXIA, PAROXYSMAL, ACETAZOLAMIDE-RESPONSIVE; CEREBELLOPATHY, HEREDITARY PAROXYSMAL; ACETAZOLAMIDE-RESPONSIVE HEREDITARY PAROXYSMAL CEREBELLAR ATAXIA; EPISODIC ATAXIA, NYSTAGMUS-ASSOCIATED. Identifiers: Orphanet 97, MedGen C1720416, MONDO:0007163, OMIM 108500.

Allele frequency attached by ClinVar (database versions not stated): gnomAD exomes 0.00001 and 0.00002; ExAC 0.00003; ESP Exome Variant Server 0.00008; gnomAD 0.00013 and 0.00016; TOPMed 0.00019.
gnomAD v4.1: 34 of 1,613,704 alleles (0.0021%); highest among the groups gnomAD compares: African/African-American, 0.031%; no homozygotes.

Submissions (4):

Labcorp Genetics (formerly Invitae), Labcorp
Classification: Likely benign for Developmental and epileptic encephalopathy, 42; Episodic ataxia type 2. Last evaluated: 2026-01-29. Review status: criteria provided, single submitter. Criteria: Invitae Variant Classification Sherloc (09022015). Collection method: clinical testing. Allele origin: germline.

Athena Diagnostics
Classification: Uncertain significance. Last evaluated: 2020-01-15. Review status: criteria provided, single submitter. Criteria: Athena Diagnostics Criteria. Collection method: clinical testing. Allele origin: unknown.

GeneDx
Classification: Likely benign. Last evaluated: 2019-03-13. Review status: criteria provided, single submitter. Criteria: GeneDx Variant Classification Process June 2021. Collection method: clinical testing. Allele origin: germline. Affected: yes.
Comment: This variant is associated with the following publications: (PMID: 20837964, 27884173)

Eurofins Ntd Llc (ga)
Classification: Uncertain significance. Last evaluated: 2016-03-24. Review status: criteria provided, single submitter. Criteria: EGL Classification Definitions 2015. Collection method: clinical testing. Allele origin: germline. Observed: 1 variant allele, 1 heterozygote.

NM_001127222.2(CACNA1A):c.5170G>A (p.Asp1724Asn)

Gene: CACNA1A (calcium voltage-gated channel subunit alpha1 A; minus strand). Cytogenetic location: 19p13.13.
Variant type: single nucleotide variant.
Coding change: c.5170G>A on transcript NM_001127222.2 (MANE Select); coding-DNA position 5170, G replaced by A.
Protein change: p.Asp1724Asn; replaces aspartic acid 1724 with asparagine.
Molecular consequence: missense variant.
Genome position (GRCh38, 1-based): chr19:13,235,000, C>T on the plus strand (G>A on the coding strand, the complement: CACNA1A is on the minus strand). VCF-style: chr19-13235000-C-T. GRCh37 (hg19) VCF-style: chr19-13345814-C-T.
Other names: c.5188G>A, p.Asp1730Asn (NM_000068.4, NM_023035.3); c.5173G>A, p.Asp1725Asn (NM_001127221.2); c.5179G>A, p.Asp1727Asn (NM_001174080.2); short protein forms D1725N, D1724N, D1730N, D1727N.
Identifiers: ClinVar variation 286691 (VCV000286691.17), dbSNP rs371595464, ClinGen allele CA9239805.
Genomic context (GRCh38, chr19:13,235,000, plus strand): 5'-CCTGGAAGAAGGTCCGGAAGTTATTGTGCTCAGTGATTTGGAACTCATCTTCATCACTGT[C>T]CTCGTCCTCCACGTCGATGCCAATGTTACCAAACACCTGTGGAATTGGAGGGTGACGACC-3'
Protein context (NP_001120694.1, residues 1714-1734): GNIGIDVEDE[Asp1724Asn]SDEDEFQITE